The following is an entry in ClinVar:

NM_024529.5(CDC73):c.997C>G (p.Gln333Glu)

Gene: CDC73 (cell division cycle 73; plus strand). Cytogenetic location: 1q31.2.
Variant type: single nucleotide variant.
Coding change: c.997C>G on transcript NM_024529.5 (MANE Select); coding-DNA position 997, C replaced by G.
Protein change: p.Gln333Glu; replaces glutamine 333 with glutamic acid.
Molecular consequence: missense variant.
Genome position (GRCh38, 1-based): chr1:193,203,819, C>G. VCF-style: chr1-193203819-C-G. GRCh37 (hg19) VCF-style: chr1-193172949-C-G.
Other names: short protein forms Q333E.
Identifiers: ClinVar variation 3265065 (VCV003265065.3).

ClinVar aggregate classification (germline): Uncertain significance. Review status: criteria provided, multiple submitters, no conflicts (2 of 4 stars). 2 submissions from 2 submitters: Uncertain significance (2). Last evaluated 2024-12-20.

Conditions:
Parathyroid carcinoma (PRTC). Also called: CDC73-Related Parathyroid Carcinoma; Parathyroid gland carcinoma. Identifiers: Orphanet 143, MedGen C0687150, MONDO:0012004, OMIM 608266, HP:0006780.
Hereditary cancer-predisposing syndrome. Also called: Hereditary Cancer Syndrome; Tumor predisposition; Hereditary neoplastic syndrome; Neoplastic Syndromes, Hereditary. Identifiers: Orphanet 140162, MedGen C0027672, MeSH D009386, MONDO:0015356.

Submissions (2):

Labcorp Genetics (formerly Invitae), Labcorp
Classification: Uncertain significance for Parathyroid carcinoma. Last evaluated: 2024-12-20. Review status: criteria provided, single submitter. Criteria: Invitae Variant Classification Sherloc (09022015). Collection method: clinical testing. Allele origin: germline.
Comment: This sequence change replaces glutamine, which is neutral and polar, with glutamic acid, which is acidic and polar, at codon 333 of the CDC73 protein (p.Gln333Glu). This variant is not present in population databases (gnomAD no frequency). This variant has not been reported in the literature in individuals affected with CDC73-related conditions. Invitae Evidence Modeling of protein sequence and biophysical properties (such as structural, functional, and spatial information, amino acid conservation, physicochemical variation, residue mobility, and thermodynamic stability) indicates that this missense variant is not expected to disrupt CDC73 protein function with a negative predictive value of 80%. In summary, the available evidence is currently insufficient to determine the role of this variant in disease. Therefore, it has been classified as a Variant of Uncertain Significance.

Ambry Genetics
Classification: Uncertain significance for Hereditary cancer-predisposing syndrome. Last evaluated: 2024-05-31. Review status: criteria provided, single submitter. Criteria: Ambry Variant Classification Scheme 2023. Collection method: clinical testing. Allele origin: germline.
Comment: The p.Q333E variant (also known as c.997C>G), located in coding exon 11 of the CDC73 gene, results from a C to G substitution at nucleotide position 997. The glutamine at codon 333 is replaced by glutamic acid, an amino acid with highly similar properties. This amino acid position is conserved. In addition, the in silico prediction for this alteration is inconclusive. Based on the available evidence, the clinical significance of this variant remains unclear.